The following is an entry in ClinVar:

NM_007289.4(MME):c.548C>G (p.Thr183Arg)

Gene: MME (membrane metalloendopeptidase; plus strand). Cytogenetic location: 3q25.2.
Variant type: single nucleotide variant.
Coding change: c.548C>G on transcript NM_007289.4 (MANE Select); coding-DNA position 548, C replaced by G.
Protein change: p.Thr183Arg; replaces threonine 183 with arginine.
Molecular consequence: missense variant.
Genome position (GRCh38, 1-based): chr3:155,116,880, C>G. VCF-style: chr3-155116880-C-G. GRCh37 (hg19) VCF-style: chr3-154834669-C-G.
Other names: c.548C>G, p.Thr183Arg (NM_000902.5, NM_001354642.2, NM_001354643.1 and 2 more transcripts); short protein forms T183R.
Identifiers: ClinVar variation 3251357 (VCV003251357.1), dbSNP rs1273200179.
Genomic context (GRCh38, chr3:155,116,880, plus strand): 5'-TAGTGAACTAAAGCTTCTAAAGATATATTTTATCTTTTATTGCTTTAGGTGCTTCTTGGA[C>G]AGCTGAAAAAGCTATTGCACAACTGAATTCTAAATATGGGAAAAAAGTCCTTATTAATTT-3'
Protein context (NP_009220.2, residues 173-193): NWEQKYGASW[Thr183Arg]AEKAIAQLNS

ClinVar aggregate classification (germline): Uncertain significance (1 of 4 stars; one submission).

Allele frequency attached by ClinVar (database versions not stated): TOPMed 0.00002.
gnomAD v4.1: 2 of 1,608,770 alleles (0.00012%); highest among the groups gnomAD compares: African/African-American, 0.0027%; no homozygotes.

Submission:

Women's Health and Genetics/Laboratory Corporation of America, LabCorp
Classification: Uncertain significance. Last evaluated: 2024-04-11. Review status: criteria provided, single submitter. Criteria: LabCorp Variant Classification Summary - May 2015. Collection method: clinical testing. Allele origin: germline.
Comment: Variant summary: MME c.548C>G (p.Thr183Arg) results in a non-conservative amino acid change located in the Peptidase M13, N-terminal domain (IPR008753) of the encoded protein sequence. Three of five in-silico tools predict a benign effect of the variant on protein function. The variant was absent in 250330 control chromosomes (gnomAD). The available data on variant occurrences in the general population are insufficient to allow any conclusion about variant significance. To our knowledge, no occurrence of c.548C>G in individuals affected with Charcot-Marie Disease Axonal Type 2T and no experimental evidence demonstrating its impact on protein function have been reported. No submitters have cited clinical-significance assessments for this variant to ClinVar. Based on the evidence outlined above, the variant was classified as uncertain significance.